The following is an entry in ClinVar:

ClinVar aggregate classification (germline): Benign/Likely benign. Review status: criteria provided, multiple submitters, no conflicts (2 of 4 stars). 5 submissions from 5 submitters: Benign (3); Likely benign (1). 1 of the submissions does not count toward it. Last evaluated 2026-01-31.

Conditions:
FREM2-related disorder. Also called: FREM2-related condition.
Fraser syndrome 2 (FRASRS2). Identifiers: MedGen C4540036, MONDO:0054738, OMIM 617666.
Isolated cryptophthalmia. Also called: Cryptophthalmos, unilateral or bilateral, isolated; ANKYLOBLEPHARON, SIMPLE. Identifiers: Orphanet 91396, MedGen C1852453, MONDO:0007410, OMIM 123570.

Allele frequency attached by ClinVar (database versions not stated): gnomAD exomes 0.00069 and 0.00196; ExAC 0.00266; 1000 Genomes Project 0.00659; 1000 Genomes Project 30x 0.00703; gnomAD 0.00766 and 0.00823; TOPMed 0.00879; ESP Exome Variant Server 0.01061.
gnomAD v4.1: 2,194 of 1,614,034 alleles (0.14%); highest among the groups gnomAD compares: African/African-American, 2.7%; 39 homozygotes.

Submissions (5):

Labcorp Genetics (formerly Invitae), Labcorp
Classification: Benign. Last evaluated: 2026-01-31. Review status: criteria provided, single submitter. Criteria: Invitae Variant Classification Sherloc (09022015). Collection method: clinical testing. Allele origin: germline.

Fulgent Genetics
Classification: Likely benign for Isolated cryptophthalmia; Fraser syndrome 2. Last evaluated: 2021-07-17. Review status: criteria provided, single submitter. Criteria: ACMG Guidelines, 2015. Collection method: clinical testing. Allele origin: unknown.

Illumina Laboratory Services, Illumina
Classification: Benign for Fraser syndrome 2. Last evaluated: 2018-01-12. Review status: criteria provided, single submitter. Criteria: ICSL Variant Classification Criteria 13 December 2019. Collection method: clinical testing. Allele origin: germline.
Comment: This variant was observed in the ICSL laboratory as part of a predisposition screen in an ostensibly healthy population. It had not been previously curated by ICSL or reported in the Human Gene Mutation Database (HGMD: prior to June 1st, 2018), and was therefore a candidate for classification through an automated scoring system. Utilizing variant allele frequency, disease prevalence and penetrance estimates, and inheritance mode, an automated score was calculated to assess if this variant is too frequent to cause the disease. Based on the score and internal cut-off values, a variant classified as benign is not then subjected to further curation. The score for this variant resulted in a classification of benign for this disease.

Breakthrough Genomics
Classification: Benign. Review status: criteria provided, single submitter. Criteria: ACMG Guidelines, 2015. Collection method: not provided. Allele origin: germline. Inheritance: Autosomal recessive inheritance. Affected: yes.

PreventionGenetics, part of Exact Sciences
Classification: Benign for FREM2-related condition. Last evaluated: 2019-04-16. Review status: no assertion criteria provided. Collection method: clinical testing. Allele origin: germline. Not counted in ClinVar's aggregate classification.
Comment: This variant is classified as benign based on ACMG/AMP sequence variant interpretation guidelines (Richards et al. 2015 PMID: 25741868, with internal and published modifications).

NM_207361.6(FREM2):c.3753C>T (p.Ser1251=)

Gene: FREM2 (FRAS1 related extracellular matrix 2; plus strand). Cytogenetic location: 13q13.3.
Variant type: single nucleotide variant.
Coding change: c.3753C>T on transcript NM_207361.6 (MANE Select); coding-DNA position 3753, C replaced by T.
Protein change: p.Ser1251=; no amino-acid change (serine 1251 retained).
Molecular consequence: synonymous variant.
Genome position (GRCh38, 1-based): chr13:38,691,097, C>T. VCF-style: chr13-38691097-C-T. GRCh37 (hg19) VCF-style: chr13-39265234-C-T.
Identifiers: ClinVar variation 311967 (VCV000311967.20), dbSNP rs78099370, ClinGen allele CA6954845.
Genomic context (GRCh38, chr13:38,691,097, plus strand): 5'-ATTCCCCACTCATGGTCACATCATGAATCAGCTGATAAATGGCACGGTTTTGGTCGAAAG[C>T]TTCACCTTGGATCAGATCATAGAGAGTTCCAGCATTATTTATGAGCATGATGACTCCGAG-3'
Protein context (NP_997244.4, residues 1241-1261): QLINGTVLVE[Ser1251=]FTLDQIIESS